The following is an entry in ClinVar:

NM_000492.4(CFTR):c.2918T>C (p.Leu973Pro)

Genes: CFTR-AS2 (CFTR antisense RNA 2; minus strand), CFTR (CF transmembrane conductance regulator; plus strand). Cytogenetic location: 7q31.2.
Variant type: single nucleotide variant.
Coding change: c.2918T>C on transcript NM_000492.4 (MANE Select); coding-DNA position 2918, T replaced by C.
Protein change: p.Leu973Pro; replaces leucine 973 with proline.
Molecular consequence: missense variant.
Genome position (GRCh38, 1-based): chr7:117,606,683, T>C. VCF-style: chr7-117606683-T-C. GRCh37 (hg19) VCF-style: chr7-117246737-T-C.
Other names: short protein forms L973P.
Identifiers: ClinVar variation 53598 (VCV000053598.10), dbSNP rs397508460, ClinGen allele CA326971.

ClinVar aggregate classification (germline): Uncertain significance. Review status: criteria provided, multiple submitters, no conflicts (2 of 4 stars). 3 submissions from 3 submitters: Uncertain significance (2). 1 of the submissions does not count toward it. Last evaluated 2022-05-04.

Conditions:
Cystic fibrosis (CF). Also called: MUCOVISCIDOSIS. Identifiers: Orphanet 586, MedGen C0010674, MONDO:0009061, OMIM 219700. Disease mechanism: loss of function.

Submissions (3):

Mendelics
Classification: Uncertain significance. Last evaluated: 2022-05-04. Review status: criteria provided, single submitter. Criteria: Mendelics Assertion Criteria 2019. Collection method: clinical testing. Allele origin: germline.

Labcorp Genetics (formerly Invitae), Labcorp
Classification: Uncertain significance for Cystic fibrosis. Last evaluated: 2020-07-02. Review status: criteria provided, single submitter. Criteria: Invitae Variant Classification Sherloc (09022015). Collection method: clinical testing. Allele origin: germline.
Comment: In summary, the available evidence is currently insufficient to determine the role of this variant in disease. Therefore, it has been classified as a Variant of Uncertain Significance. Algorithms developed to predict the effect of missense changes on protein structure and function (SIFT, PolyPhen-2, Align-GVGD) all suggest that this variant is likely to be disruptive, but these predictions have not been confirmed by published functional studies and their clinical significance is uncertain. This variant has not been reported in the literature in individuals with CFTR-related conditions. ClinVar contains an entry for this variant (Variation ID: 53598). This variant is not present in population databases (ExAC no frequency). This sequence change replaces leucine with proline at codon 973 of the CFTR protein (p.Leu973Pro). The leucine residue is highly conserved and there is a moderate physicochemical difference between leucine and proline.

ClinVar Staff, National Center for Biotechnology Information (NCBI)
No classification provided. Condition: CFTR-related disorders. Review status: no classification provided. Collection method: literature only. Allele origin: germline. Affected: yes. Not counted in ClinVar's aggregate classification.

Literature cited by the submitters: PubMed 20059485 (cited by ClinVar Staff, National Center for Biotechnology Information (NCBI)).